The following is an entry in ClinVar:

NM_032776.3(JMJD1C):c.6163C>G (p.Leu2055Val)

Gene: JMJD1C (jumonji domain containing 1C; minus strand). Cytogenetic location: 10q21.3.
Variant type: single nucleotide variant.
Coding change: c.6163C>G on transcript NM_032776.3 (MANE Select); coding-DNA position 6163, C replaced by G.
Protein change: p.Leu2055Val; replaces leucine 2055 with valine.
Molecular consequence: missense variant. On other transcripts: non-coding transcript variant (1).
Genome position (GRCh38, 1-based): chr10:63,191,022, G>C on the plus strand (C>G on the coding strand, the complement: JMJD1C is on the minus strand). VCF-style: chr10-63191022-G-C. GRCh37 (hg19) VCF-style: chr10-64950782-G-C.
Other names: c.5617C>G, p.Leu1873Val (NM_001282948.2, NM_001318154.2); c.5299C>G, p.Leu1767Val (NM_001318153.2); c.6049C>G, p.Leu2017Val (NM_001322252.2); c.5506C>G, p.Leu1836Val (NM_001322254.2, NM_001322258.2); short protein forms L1767V, L2055V, L1873V, L2017V, L1836V.
Identifiers: ClinVar variation 3695047 (VCV003695047.2).

ClinVar aggregate classification (germline): Uncertain significance (1 of 4 stars; one submission).

Conditions:
Early Myoclonic Encephalopathy. Identifiers: MedGen C0270855.

gnomAD v4.1: 5 of 1,614,160 alleles (0.00031%); highest among the groups gnomAD compares: Non-Finnish European, 0.00034%; no homozygotes.

Submission:

Labcorp Genetics (formerly Invitae), Labcorp
Classification: Uncertain significance for Early Myoclonic Encephalopathy. Last evaluated: 2024-05-02. Review status: criteria provided, single submitter. Criteria: Invitae Variant Classification Sherloc (09022015). Collection method: clinical testing. Allele origin: germline.
Comment: This sequence change replaces leucine, which is neutral and non-polar, with valine, which is neutral and non-polar, at codon 2055 of the JMJD1C protein (p.Leu2055Val). This variant is not present in population databases (gnomAD no frequency). This variant has not been reported in the literature in individuals affected with JMJD1C-related conditions. Advanced modeling of protein sequence and biophysical properties (such as structural, functional, and spatial information, amino acid conservation, physicochemical variation, residue mobility, and thermodynamic stability) performed at Invitae indicates that this missense variant is not expected to disrupt JMJD1C protein function with a negative predictive value of 80%. In summary, the available evidence is currently insufficient to determine the role of this variant in disease. Therefore, it has been classified as a Variant of Uncertain Significance.